The following is an entry in ClinVar:

NM_024426.6(WT1):c.164C>T (p.Ala55Val)

Genes: WT1 (WT1 transcription factor; minus strand), LOC107982234 (WT1/WT1-AS bi-directional promoter region; plus strand). Cytogenetic location: 11p13.
Variant type: single nucleotide variant.
Coding change: c.164C>T on transcript NM_024426.6 (MANE Select); coding-DNA position 164, C replaced by T.
Protein change: p.Ala55Val; replaces alanine 55 with valine.
Molecular consequence: missense variant. On other transcripts: non-coding transcript variant (1).
Genome position (GRCh38, 1-based): chr11:32,435,197, G>A on the plus strand (C>T on the coding strand, the complement: WT1 is on the minus strand). VCF-style: chr11-32435197-G-A. GRCh37 (hg19) VCF-style: chr11-32456743-G-A.
Other names: c.164C>T, p.Ala55Val (NM_000378.6, NM_001407044.1, NM_001407045.1 and 6 more transcripts); c.149C>T, p.Ala50Val (NM_024425.2); short protein forms A50V, A55V.
Identifiers: ClinVar variation 2241588 (VCV002241588.3), dbSNP rs919807457, ClinGen allele CA219511362.

ClinVar aggregate classification (germline): Uncertain significance. Review status: criteria provided, multiple submitters, no conflicts (2 of 4 stars). 2 submissions from 2 submitters: Uncertain significance (2). Last evaluated 2025-05-02.

Conditions:
Inborn genetic diseases. Identifiers: MedGen C0950123, MeSH D030342.
Wilms tumor 1 (WT1). Also called: Wilms tumor, somatic. Identifiers: Orphanet 654, MedGen CN033288, MONDO:0008679, OMIM 194070.

Allele frequency attached by ClinVar (database versions not stated): gnomAD exomes below 0.00001; TOPMed 0.00001.
gnomAD v4.1: 1 of 1,531,018 alleles (0.000065%); highest among the groups gnomAD compares: African/African-American, 0.0014%; no homozygotes.

Submissions (2):

Ambry Genetics
Classification: Uncertain significance for Inborn genetic diseases. Last evaluated: 2025-05-02. Review status: criteria provided, single submitter. Criteria: Ambry Variant Classification Scheme 2023. Collection method: clinical testing. Allele origin: germline.
Comment: The p.A50V variant (also known as c.149C>T), located in coding exon 1 of the WT1 gene, results from a C to T substitution at nucleotide position 149. The alanine at codon 50 is replaced by valine, an amino acid with similar properties. This amino acid position is conserved. In addition, this alteration is predicted to be tolerated by in silico analysis. Based on the available evidence, the clinical significance of this variant remains unclear.

All of Us Research Program, National Institutes of Health
Classification: Uncertain significance for Wilms tumor 1. Last evaluated: 2024-07-29. Review status: criteria provided, single submitter. Criteria: ACMG Guidelines, 2015. Collection method: clinical testing. Allele origin: germline. Inheritance: Autosomal dominant inheritance. Observed: 1 variant allele, 1 heterozygote.
Comment: This missense variant replaces alanine with valine at codon 50 of the WT1 protein. Computational prediction suggests that this variant may not impact protein structure and function. To our knowledge, functional studies have not been reported for this variant. This variant has not been reported in individuals affected with WT1-related disorders in the literature. This variant has not been identified in the general population by the Genome Aggregation Database (gnomAD). The available evidence is insufficient to determine the role of this variant in disease conclusively. Therefore, this variant is classified as a Variant of Uncertain Significance.

This study involves interpretation of variants in research participants for the purpose of population health screening. Participant phenotype was not available at the time of variant classification. Additional details can be found in publication PMID: 35346344, PMCID: PMC8962531